The following is an entry in ClinVar:

ClinVar aggregate classification (germline): Uncertain significance (1 of 4 stars; one submission).

Conditions:
Combined oxidative phosphorylation deficiency 55 (COXPD55). Identifiers: MedGen C5676915, MONDO:0859228, OMIM 619743.

gnomAD v4.1: 34 of 1,613,520 alleles (0.0021%); highest among the groups gnomAD compares: East Asian, 0.071%; 1 homozygote.

Submission:

Juno Genomics, Hangzhou Juno Genomics, Inc
Classification: Uncertain significance for Combined oxidative phosphorylation deficiency 55. Review status: criteria provided, single submitter. Criteria: ACMG Guidelines, 2015. Collection method: clinical testing. Allele origin: germline.
Comment: Absent from controls (or at extremely low frequency if recessive) in Genome Aggregation Database.;Multiple lines of computational evidence support a deleterious effect on the gene or gene product.

NM_005035.4(POLRMT):c.1062G>A (p.Val354=)

Gene: POLRMT (RNA polymerase mitochondrial; minus strand). Cytogenetic location: 19p13.3.
Variant type: single nucleotide variant.
Coding change: c.1062G>A on transcript NM_005035.4 (MANE Select); coding-DNA position 1062, G replaced by A.
Protein change: p.Val354=; no amino-acid change (valine 354 retained).
Molecular consequence: synonymous variant. On other transcripts: non-coding transcript variant (1).
Genome position (GRCh38, 1-based): chr19:624,797, C>T on the plus strand (G>A on the coding strand, the complement: POLRMT is on the minus strand). VCF-style: chr19-624797-C-T. GRCh37 (hg19) VCF-style: chr19-624797-C-T.
Other names: c.1062G>A, p.Val354= (NM_001407805.1, NM_001407806.1, NM_001407807.1 and 10 more transcripts); c.1020G>A, p.Val340= (NM_001407811.1, NM_001407813.1); c.738G>A, p.Val246= (NM_001407831.1, NM_001407833.1, NM_001407834.1 and 2 more transcripts).
Identifiers: ClinVar variation 5006037 (VCV005006037.2).